The following is an entry in ClinVar:

ClinVar aggregate classification (germline): Uncertain significance (1 of 4 stars; one submission).

Conditions:
Lowe syndrome (OCRL). Also called: LOWE OCULOCEREBRORENAL SYNDROME; PHOSPHATIDYLINOSITOL 4,5-BISPHOSPHATE 5-PHOSPHATASE DEFICIENCY; Oculocerebrorenal Syndrome. Identifiers: Orphanet 534, MedGen C0028860, MONDO:0010645, OMIM 309000.

Submission:

Labcorp Genetics (formerly Invitae), Labcorp
Classification: Uncertain significance for Lowe syndrome. Last evaluated: 2024-02-23. Review status: criteria provided, single submitter. Criteria: Invitae Variant Classification Sherloc (09022015). Collection method: clinical testing. Allele origin: germline.
Comment: This sequence change replaces arginine, which is basic and polar, with lysine, which is basic and polar, at codon 241 of the OCRL protein (p.Arg241Lys). This variant also falls at the last nucleotide of exon 8, which is part of the consensus splice site for this exon. This variant is not present in population databases (gnomAD no frequency). This variant has not been reported in the literature in individuals affected with OCRL-related conditions. Algorithms developed to predict the effect of missense changes on protein structure and function output the following: SIFT: "Not Available"; PolyPhen-2: "Benign"; Align-GVGD: "Not Available". The lysine amino acid residue is found in multiple mammalian species, which suggests that this missense change does not adversely affect protein function. Variants that disrupt the consensus splice site are a relatively common cause of aberrant splicing (PMID: 17576681, 9536098). In summary, the available evidence is currently insufficient to determine the role of this variant in disease. Therefore, it has been classified as a Variant of Uncertain Significance.

Literature cited by the submitters: PubMed 17576681; PubMed 9536098.

NM_000276.4(OCRL):c.722G>A (p.Arg241Lys)

Gene: OCRL (OCRL inositol polyphosphate-5-phosphatase; plus strand). Cytogenetic location: Xq26.1.
Variant type: single nucleotide variant.
Coding change: c.722G>A on transcript NM_000276.4 (MANE Select); coding-DNA position 722, G replaced by A.
Protein change: p.Arg241Lys; replaces arginine 241 with lysine.
Molecular consequence: missense variant.
Genome position (GRCh38, 1-based): chrX:129,559,001, G>A. VCF-style: chrX-129559001-G-A. GRCh37 (hg19) VCF-style: chrX-128692978-G-A.
Other names: c.725G>A, p.Arg242Lys (NM_001318784.2); c.722G>A, p.Arg241Lys (NM_001587.4); short protein forms R241K, R242K.
Identifiers: ClinVar variation 2966947 (VCV002966947.3), dbSNP rs2521879319, ClinGen allele CA414551898.